The following is an entry in ClinVar:

NM_000059.4(BRCA2):c.3896A>G (p.Glu1299Gly)

Gene: BRCA2 (BRCA2 DNA repair associated; plus strand). Cytogenetic location: 13q13.1.
Variant type: single nucleotide variant.
Coding change: c.3896A>G on transcript NM_000059.4 (MANE Select); coding-DNA position 3896, A replaced by G.
Protein change: p.Glu1299Gly; replaces glutamic acid 1299 with glycine.
Molecular consequence: missense variant. On other transcripts: non-coding transcript variant (1), intron variant (2).
Genome position (GRCh38, 1-based): chr13:32,338,251, A>G. VCF-style: chr13-32338251-A-G. GRCh37 (hg19) VCF-style: chr13-32912388-A-G.
Other names: c.3896A>G, p.Glu1299Gly (NM_001406719.1, NM_001406720.1, NM_001432077.1); c.1909+4864A>G (NM_001406721.1); c.425-6307A>G (NM_001406722.1); short protein forms E1299G.
Identifiers: ClinVar variation 3769073 (VCV003769073.3).
Genomic context (GRCh38, chr13:32,338,251, plus strand): 5'-ATGATAAAACTGTAAGTGAAAAAAATAATAAATGCCAACTGATATTACAAAATAATATTG[A>G]AATGACTACTGGCACTTTTGTTGAAGAAATTACTGAAAATTACAAGAGAAATACTGAAAA-3'
Protein context (NP_000050.3, residues 1289-1309): KCQLILQNNI[Glu1299Gly]MTTGTFVEEI

ClinVar aggregate classification (germline): Uncertain significance. Review status: criteria provided, multiple submitters, no conflicts (2 of 4 stars). 2 submissions from 2 submitters: Uncertain significance (2). Last evaluated 2025-09-27.

Conditions:
Hereditary cancer-predisposing syndrome. Also called: Neoplastic Syndromes, Hereditary; Tumor predisposition; Hereditary Cancer Syndrome; Hereditary neoplastic syndrome. Identifiers: Orphanet 140162, MedGen C0027672, MeSH D009386, MONDO:0015356.

Submissions (2):

Ambry Genetics
Classification: Uncertain significance for Hereditary cancer-predisposing syndrome. Last evaluated: 2025-09-27. Review status: criteria provided, single submitter. Criteria: Ambry Variant Classification Scheme 2023. Collection method: clinical testing. Allele origin: germline.
Comment: The p.E1299G variant (also known as c.3896A>G), located in coding exon 10 of the BRCA2 gene, results from an A to G substitution at nucleotide position 3896. The glutamic acid at codon 1299 is replaced by glycine, an amino acid with similar properties. This amino acid position is conserved. In addition, this alteration is predicted to be tolerated by in silico analysis. Based on the available evidence, the clinical significance of this variant remains unclear.

Women's Health and Genetics/Laboratory Corporation of America, LabCorp
Classification: Uncertain significance. Last evaluated: 2025-01-16. Review status: criteria provided, single submitter. Criteria: LabCorp Variant Classification Summary - May 2015. Collection method: clinical testing. Allele origin: germline.